The following is an entry in ClinVar:

NM_013382.7(POMT2):c.648C>T (p.Cys216=)

Gene: POMT2 (protein O-mannosyltransferase 2; minus strand). Cytogenetic location: 14q24.3.
Variant type: single nucleotide variant.
Coding change: c.648C>T on transcript NM_013382.7 (MANE Select); coding-DNA position 648, C replaced by T.
Protein change: p.Cys216=; no amino-acid change (cysteine 216 retained).
Molecular consequence: synonymous variant.
Genome position (GRCh38, 1-based): chr14:77,302,843, G>A on the plus strand (C>T on the coding strand, the complement: POMT2 is on the minus strand). VCF-style: chr14-77302843-G-A. GRCh37 (hg19) VCF-style: chr14-77769186-G-A.
Identifiers: ClinVar variation 314560 (VCV000314560.21), dbSNP rs147871747, ClinGen allele CA7286138.

ClinVar aggregate classification (germline): Conflicting classifications of pathogenicity. Review status: criteria provided, conflicting classifications (1 of 4 stars). 7 submissions from 7 submitters: Uncertain significance (1); Benign (1); Likely benign (2). 3 of the submissions do not count toward it. Last evaluated 2026-01-22.

Conditions:
Autosomal recessive limb-girdle muscular dystrophy type 2N. Also called: MUSCULAR DYSTROPHY-DYSTROGLYCANOPATHY, LIMB-GIRDLE, POMT2-RELATED; Muscular dystrophy-dystroglycanopathy (limb-girdle), type C, 2. Identifiers: Orphanet 206559, MedGen C3150418, MONDO:0013162, OMIM 613158.
POMT2-related disorder. Also called: POMT2-related condition.
Muscular dystrophy-dystroglycanopathy (congenital with brain and eye anomalies), type A2. Also called: WALKER-WARBURG SYNDROME OR MUSCLE-EYE-BRAIN DISEASE, POMT2-RELATED; MUSCULAR DYSTROPHY-DYSTROGLYCANOPATHY (CONGENITAL WITH BRAIN AND EYE ANOMALIES), TYPE A, 2. Identifiers: Orphanet 588, Orphanet 899, MedGen C3150411, MONDO:0013154, OMIM 613150.
Muscular dystrophy-dystroglycanopathy (congenital with impaired intellectual development), type B, 2. Also called: Muscular dystrophy-dystroglycanopathy (congenital with intellectual disability), type B2; MUSCULAR DYSTROPHY, CONGENITAL, POMT2-RELATED. Identifiers: MedGen C3150416, MONDO:0013160, OMIM 613156.

Allele frequency attached by ClinVar (database versions not stated): TOPMed 0.00009; gnomAD 0.00011 and 0.00013; ESP Exome Variant Server 0.00023.
gnomAD v4.1: 303 of 1,610,934 alleles (0.019%); highest among the groups gnomAD compares: Non-Finnish European, 0.021%; 2 homozygotes.

Submissions (7):

Labcorp Genetics (formerly Invitae), Labcorp
Classification: Likely benign for Muscular dystrophy-dystroglycanopathy (congenital with impaired intellectual development), type B, 2; Muscular dystrophy-dystroglycanopathy (congenital with brain and eye anomalies), type A2; Autosomal recessive limb-girdle muscular dystrophy type 2N. Last evaluated: 2026-01-22. Review status: criteria provided, single submitter. Criteria: Invitae Variant Classification Sherloc (09022015). Collection method: clinical testing. Allele origin: germline.

Athena Diagnostics
Classification: Benign. Last evaluated: 2024-07-05. Review status: criteria provided, single submitter. Criteria: Athena Diagnostics Criteria. Collection method: clinical testing. Allele origin: unknown.

Illumina Laboratory Services, Illumina
Classification: Uncertain significance for Autosomal recessive limb-girdle muscular dystrophy type 2N. Last evaluated: 2018-01-12. Review status: criteria provided, single submitter. Criteria: ICSL Variant Classification Criteria 13 December 2019. Collection method: clinical testing. Allele origin: germline.

GeneDx
Classification: Likely benign. Last evaluated: 2017-03-02. Review status: criteria provided, single submitter. Criteria: GeneDx Variant Classification (06012015). Collection method: clinical testing. Allele origin: germline. Affected: yes.
Comment: This variant is considered likely benign or benign based on one or more of the following criteria: it is a conservative change, it occurs at a poorly conserved position in the protein, it is predicted to be benign by multiple in silico algorithms, and/or has population frequency not consistent with disease.

PreventionGenetics, part of Exact Sciences
Classification: Likely benign for POMT2-related condition. Last evaluated: 2019-06-12. Review status: no assertion criteria provided. Collection method: clinical testing. Allele origin: germline. Not counted in ClinVar's aggregate classification.
Comment: This variant is classified as likely benign based on ACMG/AMP sequence variant interpretation guidelines (Richards et al. 2015 PMID: 25741868, with internal and published modifications).

Clinical Genetics DNA and cytogenetics Diagnostics Lab, Erasmus MC, Erasmus Medical Center
Classification: Likely benign. Review status: no assertion criteria provided. Collection method: clinical testing. Allele origin: germline. Affected: yes. Study: VKGL Data-share Consensus. Not counted in ClinVar's aggregate classification.

Joint Genome Diagnostic Labs from Nijmegen and Maastricht, Radboudumc and MUMC+
Classification: Likely benign. Review status: no assertion criteria provided. Collection method: clinical testing. Allele origin: germline. Affected: yes. Study: VKGL Data-share Consensus. Not counted in ClinVar's aggregate classification.